The following is an entry in ClinVar:

NM_001367624.2(ZNF469):c.5338C>G (p.Pro1780Ala)

Gene: ZNF469 (zinc finger protein 469; plus strand). Cytogenetic location: 16q24.2.
Variant type: single nucleotide variant.
Coding change: c.5338C>G on transcript NM_001367624.2 (MANE Select); coding-DNA position 5338, C replaced by G.
Protein change: p.Pro1780Ala; replaces proline 1780 with alanine.
Molecular consequence: missense variant.
Genome position (GRCh38, 1-based): chr16:88,432,808, C>G. VCF-style: chr16-88432808-C-G. GRCh37 (hg19) VCF-style: chr16-88499216-C-G.
Other names: NM_001127464.1:c.5254C>G; short protein forms P1780A.
Identifiers: ClinVar variation 2053037 (VCV002053037.5), dbSNP rs773949576, ClinGen allele CA8225067.

ClinVar aggregate classification (germline): Uncertain significance. Review status: criteria provided, multiple submitters, no conflicts (2 of 4 stars). 3 submissions from 3 submitters: Uncertain significance (3). Last evaluated 2025-10-22.

Conditions:
Cardiovascular phenotype. Identifiers: MedGen CN230736.

Allele frequency attached by ClinVar (database versions not stated): ExAC 0.00005; TOPMed 0.00001; gnomAD 0.00002.
gnomAD v4.1: 13 of 1,550,260 alleles (0.00084%); highest among the groups gnomAD compares: Admixed American, 0.002%; no homozygotes.

Submissions (3):

Women's Health and Genetics/Laboratory Corporation of America, LabCorp
Classification: Uncertain significance. Last evaluated: 2025-10-22. Review status: criteria provided, single submitter. Criteria: LabCorp Variant Classification Summary - May 2015. Collection method: clinical testing. Allele origin: germline.
Comment: Variant summary: ZNF469 c.5338C>G (p.Pro1780Ala) results in a non-conservative amino acid change in the encoded protein sequence. Algorithms developed to predict the effect of missense changes on protein structure and function are either unavailable or do not agree on the potential impact of this missense change. The variant allele was found at a frequency of 2.6e-05 in 152288 control chromosomes. The available data on variant occurrences in the general population are insufficient to allow any conclusion about variant significance. To our knowledge, no occurrence of c.5338C>G in individuals affected with ZNF469-related conditions and no experimental evidence demonstrating its impact on protein function have been reported. ClinVar contains an entry for this variant (Variation ID: 2053037). Based on the evidence outlined above, the variant was classified as uncertain significance.

Ambry Genetics
Classification: Uncertain significance for Cardiovascular phenotype. Last evaluated: 2025-01-16. Review status: criteria provided, single submitter. Criteria: Ambry Variant Classification Scheme 2023. Collection method: clinical testing. Allele origin: germline.

Labcorp Genetics (formerly Invitae), Labcorp
Classification: Uncertain significance. Last evaluated: 2023-12-07. Review status: criteria provided, single submitter. Criteria: Invitae Variant Classification Sherloc (09022015). Collection method: clinical testing. Allele origin: germline.
Comment: This sequence change replaces proline, which is neutral and non-polar, with alanine, which is neutral and non-polar, at codon 1752 of the ZNF469 protein (p.Pro1752Ala). This variant is present in population databases (rs773949576, gnomAD 0.007%). This variant has not been reported in the literature in individuals affected with ZNF469-related conditions. ClinVar contains an entry for this variant (Variation ID: 2053037). An algorithm developed to predict the effect of missense changes on protein structure and function (PolyPhen-2) suggests that this variant¬†is likely to be tolerated. In summary, the available evidence is currently insufficient to determine the role of this variant in disease. Therefore, it has been classified as a Variant of Uncertain Significance.